The following is an entry in ClinVar:

NM_020975.6(RET):c.727T>C (p.Cys243Arg)

Gene: RET (ret proto-oncogene; plus strand). Cytogenetic location: 10q11.21.
Variant type: single nucleotide variant.
Coding change: c.727T>C on transcript NM_020975.6 (MANE Select); coding-DNA position 727, T replaced by C.
Protein change: p.Cys243Arg; replaces cysteine 243 with arginine.
Molecular consequence: missense variant. On other transcripts: intron variant (22), 5 prime UTR variant (1).
Genome position (GRCh38, 1-based): chr10:43,105,053, T>C. VCF-style: chr10-43105053-T-C. GRCh37 (hg19) VCF-style: chr10-43600501-T-C.
Other names: c.496+2424T>C (NM_001406783.1, NM_001406786.1); c.338-3978T>C (NM_001406778.1, NM_001406775.1, NM_001406776.1 and 1 more transcripts); c.337+4331T>C (NM_001406790.1, NM_001406788.1, NM_001406789.1 and 1 more transcripts); c.74-3978T>C (NM_001406784.1); c.74-7046T>C (NM_001406794.1, NM_001406792.1, NM_001406793.1); c.-36T>C (NM_001355216.2); c.727T>C, p.Cys243Arg (NM_001406743.1, NM_001406744.1, NM_001406759.1 and 6 more transcripts); c.598T>C, p.Cys200Arg (NM_001406761.1, NM_001406762.1, NM_001406764.1 and 2 more transcripts); and 2 more; short protein forms C147R, C243R, C200R.
Identifiers: ClinVar variation 4995132 (VCV004995132.1).

ClinVar aggregate classification (germline): Uncertain significance (1 of 4 stars; one submission).

Conditions:
RET-related disorder. Also called: RET-related condition; RET-related disease; RET-related disorders.

Submission:

PreventionGenetics, part of Exact Sciences
Classification: Uncertain significance for RET-related condition. Last evaluated: 2026-04-13. Review status: criteria provided, single submitter. Criteria: ACMG Guidelines, 2015. Collection method: clinical testing. Allele origin: germline.
Comment: The RET c.727T>C variant is predicted to result in the amino acid substitution p.Cys243Arg. To our knowledge, this variant has not been reported in the literature or in a large population database (gnomAD), indicating this variant is rare. At this time, the clinical significance of this variant is uncertain due to the absence of conclusive functional and genetic evidence.